The following is an entry in ClinVar:

ClinVar aggregate classification (germline): Uncertain significance (1 of 4 stars; one submission).

Submission:

Labcorp Genetics (formerly Invitae), Labcorp
Classification: Uncertain significance. Last evaluated: 2025-06-13. Review status: criteria provided, single submitter. Criteria: Invitae Variant Classification Sherloc (09022015). Collection method: clinical testing. Allele origin: germline.
Comment: This sequence change replaces glutamic acid, which is acidic and polar, with aspartic acid, which is acidic and polar, at codon 133 of the MICAL1 protein (p.Glu133Asp). This variant is not present in population databases (gnomAD no frequency). This variant has not been reported in the literature in individuals affected with MICAL1-related conditions. An algorithm developed to predict the effect of missense changes on protein structure and function (PolyPhen-2) suggests that this variant is likely to be disruptive. In summary, the available evidence is currently insufficient to determine the role of this variant in disease. Therefore, it has been classified as a Variant of Uncertain Significance.

NM_022765.4(MICAL1):c.342A>C (p.Glu114Asp)

Gene: MICAL1 (microtubule associated monooxygenase, calponin and LIM domain containing 1; minus strand). Cytogenetic location: 6q21.
Variant type: single nucleotide variant.
Coding change: c.342A>C on transcript NM_022765.4 (MANE Select); coding-DNA position 342, A replaced by C.
Protein change: p.Glu114Asp; replaces glutamic acid 114 with aspartic acid.
Molecular consequence: missense variant.
Genome position (GRCh38, 1-based): chr6:109,453,762, T>G on the plus strand (A>C on the coding strand, the complement: MICAL1 is on the minus strand). VCF-style: chr6-109453762-T-G. GRCh37 (hg19) VCF-style: chr6-109774965-T-G.
Other names: c.342A>C, p.Glu114Asp (NM_001159291.2); c.399A>C, p.Glu133Asp (NM_001286613.2); short protein forms E114D, E133D.
Identifiers: ClinVar variation 4692554 (VCV004692554.1).